The following is an entry in ClinVar:

ClinVar aggregate classification (germline): Pathogenic. Review status: criteria provided, multiple submitters, no conflicts (2 of 4 stars). 2 submissions from 2 submitters: Pathogenic (2). Last evaluated 2025-02-02.

Conditions:
Sulfite oxidase deficiency due to molybdenum cofactor deficiency type A. Also called: Molybdenum cofactor deficiency, complementation group A; Molybdenum Cofactor Deficiency A. Identifiers: Orphanet 308386, Orphanet 833, MedGen C1854988, MONDO:0009643, OMIM 252150.

Allele frequency attached by ClinVar (database versions not stated): gnomAD exomes below 0.00001; TOPMed below 0.00001; ExAC 0.00001.
gnomAD v4.1: 3 of 1,613,044 alleles (0.00019%); highest among the groups gnomAD compares: Non-Finnish European, 0.00017%; no homozygotes.

Submissions (2):

Labcorp Genetics (formerly Invitae), Labcorp
Classification: Pathogenic for Sulfite oxidase deficiency due to molybdenum cofactor deficiency type A. Last evaluated: 2025-02-02. Review status: criteria provided, single submitter. Criteria: Invitae Variant Classification Sherloc (09022015). Collection method: clinical testing. Allele origin: germline.
Comment: This sequence change creates a premature translational stop signal (p.Arg319*) in the MOCS1 gene. It is expected to result in an absent or disrupted protein product. Loss-of-function variants in MOCS1 are known to be pathogenic (PMID: 12754701, 16021469). This variant is present in population databases (rs774902198, gnomAD 0.004%). This premature translational stop signal has been observed in individual(s) with clinical features of MOCS1-related conditions (PMID: 22403017). ClinVar contains an entry for this variant (Variation ID: 1459223). For these reasons, this variant has been classified as Pathogenic.

Fulgent Genetics
Classification: Pathogenic for Sulfite oxidase deficiency due to molybdenum cofactor deficiency type A. Last evaluated: 2024-04-08. Review status: criteria provided, single submitter. Criteria: ACMG Guidelines, 2015. Collection method: clinical testing. Allele origin: germline.

Literature cited by the submitters: PubMed 12754701 (cited by Labcorp Genetics (formerly Invitae), Labcorp); PubMed 16021469 (cited by Labcorp Genetics (formerly Invitae), Labcorp); PubMed 22403017 (cited by Labcorp Genetics (formerly Invitae), Labcorp).

NM_001358530.2(MOCS1):c.955C>T (p.Arg319Ter)

Gene: MOCS1 (molybdenum cofactor synthesis 1; minus strand). Cytogenetic location: 6p21.2.
Variant type: single nucleotide variant.
Coding change: c.955C>T on transcript NM_001358530.2 (MANE Select); coding-DNA position 955, C replaced by T.
Protein change: p.Arg319Ter; replaces arginine 319 with a stop codon.
Molecular consequence: nonsense. On other transcripts: non-coding transcript variant (1).
Genome position (GRCh38, 1-based): chr6:39,912,290, G>A on the plus strand (C>T on the coding strand, the complement: MOCS1 is on the minus strand). VCF-style: chr6-39912290-G-A. GRCh37 (hg19) VCF-style: chr6-39880034-G-A.
Other names: c.955C>T, p.Arg319Ter (NM_001075098.4, NM_001358529.2, NM_005943.6); c.694C>T, p.Arg232Ter (NM_001358531.2, NM_001358533.2, NM_001358534.2); c.955C>T (NM_005943.5); short protein forms R232*, R319*.
Identifiers: ClinVar variation 1459223 (VCV001459223.8), dbSNP rs774902198, ClinGen allele CA3796105.